The following is an entry in ClinVar:

ClinVar aggregate classification (germline): Uncertain significance (1 of 4 stars; one submission).

Allele frequency attached by ClinVar (database versions not stated): gnomAD exomes below 0.00001.
gnomAD v4.1: 1 of 1,613,604 alleles (0.000062%); highest among the groups gnomAD compares: Non-Finnish European, 0.000085%; no homozygotes.

Submission:

Labcorp Genetics (formerly Invitae), Labcorp
Classification: Uncertain significance. Last evaluated: 2022-08-15. Review status: criteria provided, single submitter. Criteria: Invitae Variant Classification Sherloc (09022015). Collection method: clinical testing. Allele origin: germline.
Comment: In summary, the available evidence is currently insufficient to determine the role of this variant in disease. Therefore, it has been classified as a Variant of Uncertain Significance. Algorithms developed to predict the effect of sequence changes on RNA splicing suggest that this variant may create or strengthen a splice site. Algorithms developed to predict the effect of missense changes on protein structure and function (SIFT, PolyPhen-2, Align-GVGD) all suggest that this variant is likely to be tolerated. ClinVar contains an entry for this variant (Variation ID: 1378273). This variant has not been reported in the literature in individuals affected with GRXCR1-related conditions. This variant is not present in population databases (gnomAD no frequency). This sequence change replaces arginine, which is basic and polar, with lysine, which is basic and polar, at codon 4 of the GRXCR1 protein (p.Arg4Lys).

NM_001080476.3(GRXCR1):c.11G>A (p.Arg4Lys)

Gene: GRXCR1 (glutaredoxin and cysteine rich domain containing 1; plus strand). Cytogenetic location: 4p13.
Variant type: single nucleotide variant.
Coding change: c.11G>A on transcript NM_001080476.3 (MANE Select); coding-DNA position 11, G replaced by A.
Protein change: p.Arg4Lys; replaces arginine 4 with lysine.
Molecular consequence: missense variant.
Genome position (GRCh38, 1-based): chr4:42,893,277, G>A. VCF-style: chr4-42893277-G-A. GRCh37 (hg19) VCF-style: chr4-42895294-G-A.
Other names: short protein forms R4K.
Identifiers: ClinVar variation 1378273 (VCV001378273.8), dbSNP rs2109733282, ClinGen allele CA356790895.